The following is an entry in ClinVar:

ClinVar aggregate classification (germline): Likely benign (1 of 4 stars; one submission).

gnomAD v4.1: 15 of 1,613,980 alleles (0.00093%); highest among the groups gnomAD compares: South Asian, 0.0033%; no homozygotes.

Submission:

CeGaT Center for Human Genetics Tuebingen
Classification: Likely benign. Last evaluated: 2024-11-01. Review status: criteria provided, single submitter. Criteria: CeGaT Center For Human Genetics Tuebingen Variant Classification Criteria Version 2. Collection method: clinical testing. Allele origin: germline. Affected: yes. Observed: 1 variant allele.
Comment: SPEN: BP4

NM_015001.3(SPEN):c.2471G>A (p.Arg824His)

Gene: SPEN (spen family transcriptional repressor; plus strand). Cytogenetic location: 1p36.13.
Variant type: single nucleotide variant.
Coding change: c.2471G>A on transcript NM_015001.3 (MANE Select); coding-DNA position 2471, G replaced by A.
Protein change: p.Arg824His; replaces arginine 824 with histidine.
Molecular consequence: missense variant.
Genome position (GRCh38, 1-based): chr1:15,928,711, G>A. VCF-style: chr1-15928711-G-A. GRCh37 (hg19) VCF-style: chr1-16255206-G-A.
Other names: short protein forms R824H.
Identifiers: ClinVar variation 3388082 (VCV003388082.14).